The following is an entry in ClinVar:

NM_002471.4(MYH6):c.3481G>A (p.Val1161Met)

Gene: MYH6 (myosin heavy chain 6; minus strand). Cytogenetic location: 14q11.2.
Variant type: single nucleotide variant.
Coding change: c.3481G>A on transcript NM_002471.4 (MANE Select); coding-DNA position 3481, G replaced by A.
Protein change: p.Val1161Met; replaces valine 1161 with methionine.
Molecular consequence: missense variant.
Genome position (GRCh38, 1-based): chr14:23,390,308, C>T on the plus strand (G>A on the coding strand, the complement: MYH6 is on the minus strand). VCF-style: chr14-23390308-C-T. GRCh37 (hg19) VCF-style: chr14-23859517-C-T.
Other names: short protein forms V1161M.
Identifiers: ClinVar variation 312864 (VCV000312864.12), dbSNP rs762230455, ClinGen allele CA7115165.

ClinVar aggregate classification (germline): Uncertain significance. Review status: criteria provided, multiple submitters, no conflicts (2 of 4 stars). 4 submissions from 4 submitters: Uncertain significance (4). Last evaluated 2025-01-04.

Conditions:
Cardiovascular phenotype. Identifiers: MedGen CN230736.
Atrial septal defect 3 (ASD3). Identifiers: Orphanet 1478, MedGen C3279790, MONDO:0013567, OMIM 614089.
Dilated cardiomyopathy 1EE (CMD1EE). Identifiers: Orphanet 154, MedGen C2750466, MONDO:0013198, OMIM 613252.
Sick sinus syndrome 3, susceptibility to (SSS3). Identifiers: Orphanet 166282, MedGen C3279791, MONDO:0013568, OMIM 614090.
Hypertrophic cardiomyopathy 14. Identifiers: MedGen C2750467, MONDO:0013197, OMIM 613251.
Hypertrophic cardiomyopathy 1 (CMH1). Also called: Familial hypertrophic cardiomyopathy 1; MYH7-Related Familial Hypertrophic Cardiomyopathy. Identifiers: MedGen C3495498, MONDO:0008647, OMIM 192600.

Allele frequency attached by ClinVar (database versions not stated): TOPMed below 0.00001; gnomAD exomes 0.00002; ExAC 0.00003.

Submissions (4):

Ambry Genetics
Classification: Uncertain significance for Cardiovascular phenotype. Last evaluated: 2025-01-04. Review status: criteria provided, single submitter. Criteria: Ambry Variant Classification Scheme 2023. Collection method: clinical testing. Allele origin: germline.
Comment: The p.V1161M variant (also known as c.3481G>A), located in coding exon 24 of the MYH6 gene, results from a G to A substitution at nucleotide position 3481. The valine at codon 1161 is replaced by methionine, an amino acid with highly similar properties. This amino acid position is conserved. In addition, this alteration is predicted to be tolerated by in silico analysis. Based on the available evidence, the clinical significance of this variant remains unclear.

Labcorp Genetics (formerly Invitae), Labcorp
Classification: Uncertain significance for Hypertrophic cardiomyopathy 14. Last evaluated: 2022-09-07. Review status: criteria provided, single submitter. Criteria: Invitae Variant Classification Sherloc (09022015). Collection method: clinical testing. Allele origin: germline.
Comment: In summary, the available evidence is currently insufficient to determine the role of this variant in disease. Therefore, it has been classified as a Variant of Uncertain Significance. Algorithms developed to predict the effect of missense changes on protein structure and function are either unavailable or do not agree on the potential impact of this missense change (SIFT: "Deleterious"; PolyPhen-2: "Possibly Damaging"; Align-GVGD: "Class C0"). ClinVar contains an entry for this variant (Variation ID: 312864). This variant has not been reported in the literature in individuals affected with MYH6-related conditions. This variant is present in population databases (rs762230455, gnomAD 0.01%). This sequence change replaces valine, which is neutral and non-polar, with methionine, which is neutral and non-polar, at codon 1161 of the MYH6 protein (p.Val1161Met).

Fulgent Genetics
Classification: Uncertain significance for Hypertrophic cardiomyopathy 1; Hypertrophic cardiomyopathy 14; Dilated cardiomyopathy 1EE; Atrial septal defect 3; Sick sinus syndrome 3, susceptibility to. Last evaluated: 2022-04-05. Review status: criteria provided, single submitter. Criteria: ACMG Guidelines, 2015. Collection method: clinical testing. Allele origin: unknown.

GeneDx
Classification: Uncertain significance. Last evaluated: 2016-12-05. Review status: criteria provided, single submitter. Criteria: GeneDx Variant Classification (06012015). Collection method: clinical testing. Allele origin: germline. Affected: yes.
Comment: The V1161M variant has not been published as a pathogenic variant, nor has it been reported as a benign variant to our knowledge. It was not observed in approximately 6,000 individuals of European and African American ancestry in the NHLBI Exome Sequencing Project (average read depth 9.0) and was also not observed in the Exome Aggregation Consortium (ExAC), indicating V1161M is not a common benign variant in large population cohorts. However, the V1161M variant is a conservative amino acid substitution, which is not likely to impact secondary protein structure as these residues share similar properties. Although this substitution occurs at a position where amino acids with similar properties to valine (V) are tolerated across species, methionine (M) is not wild type in any species, and in silico analysis is inconsistent in its predictions as to whether or not the variant is damaging to the protein structure/function.Therefore, based on the currently available information, it is unclear whether this variant is pathogenic or rare benign. This result cannot be interpreted for diagnosis or used for family member screening at this time.